The following is an entry in ClinVar:

ClinVar aggregate classification (germline): Uncertain significance (1 of 4 stars; one submission).

gnomAD v4.1: 1 of 1,613,846 alleles (0.000062%); highest among the groups gnomAD compares: Non-Finnish European, 0.000085%; no homozygotes.

Submission:

GeneDx
Classification: Uncertain significance. Last evaluated: 2024-12-06. Review status: criteria provided, single submitter. Criteria: GeneDx Variant Classification Process June 2021. Collection method: clinical testing. Allele origin: germline. Affected: yes.
Comment: Not observed at significant frequency in large population cohorts (gnomAD); In silico analysis supports that this missense variant has a deleterious effect on protein structure/function; Has not been previously published as pathogenic or benign to our knowledge

NM_000053.4(ATP7B):c.4090G>T (p.Val1364Leu)

Gene: ATP7B (ATPase copper transporting beta; minus strand). Cytogenetic location: 13q14.3.
Variant type: single nucleotide variant.
Coding change: c.4090G>T on transcript NM_000053.4 (MANE Select); coding-DNA position 4090, G replaced by T.
Protein change: p.Val1364Leu; replaces valine 1364 with leucine.
Molecular consequence: missense variant.
Genome position (GRCh38, 1-based): chr13:51,935,627, C>A on the plus strand (G>T on the coding strand, the complement: ATP7B is on the minus strand). VCF-style: chr13-51935627-C-A. GRCh37 (hg19) VCF-style: chr13-52509763-C-A.
Other names: c.3469G>T, p.Val1157Leu (NM_001005918.3); c.3757G>T, p.Val1253Leu (NM_001243182.2); c.3856G>T, p.Val1286Leu (NM_001330578.2, NM_001406527.1, NM_001406528.1); c.3838G>T, p.Val1280Leu (NM_001330579.2, NM_001406531.1, NM_001406532.1); c.4090G>T, p.Val1364Leu (NM_001406511.1, NM_001406512.1); c.4084G>T, p.Val1362Leu (NM_001406513.1); c.4057G>T, p.Val1353Leu (NM_001406514.1); c.4036G>T, p.Val1346Leu (NM_001406515.1, NM_001406516.1); and 21 more; short protein forms V1083L, V1137L, V1148L, V1157L, V1170L, V1200L, V1202L, V1215L.
Identifiers: ClinVar variation 3901824 (VCV003901824.1).
Genomic context (GRCh38, chr13:51,935,627, plus strand): 5'-CAGATGCTCCACCTGAGGGGACTCACCACTTGAGCTGCAGGGATGAGAGCACCACAGACA[C>A]AGAGGAGGCTGCCATGGCCGCTGAGCCCATCCAGGGCTGCAGCACAATGCCGATGGGCAT-3'
Protein context (NP_000044.2, residues 1354-1374): MGSAAMAASS[Val1364Leu]SVVLSSLQLK